The following is an entry in ClinVar:

ClinVar aggregate classification (germline): Conflicting classifications of pathogenicity. Review status: criteria provided, conflicting classifications (1 of 4 stars). 2 submissions from 2 submitters: Likely pathogenic (1); Uncertain significance (1). Last evaluated 2019-06-20.

Conditions:
MYH7-related disorder. Also called: MYH7-related disorders; MYH7-related condition; MYH7-related disease.
Hypertrophic cardiomyopathy. Also called: HYPERTROPHIC MYOCARDIOPATHY. Identifiers: Orphanet 217569, MedGen C0007194, MeSH D002312, MONDO:0005045, HP:0001639.

Submissions (2):

Labcorp Genetics (formerly Invitae), Labcorp
Classification: Uncertain significance for Hypertrophic cardiomyopathy. Last evaluated: 2019-06-20. Review status: criteria provided, single submitter. Criteria: Invitae Variant Classification Sherloc (09022015). Collection method: clinical testing. Allele origin: germline.
Comment: This sequence change replaces serine with proline at codon 241 of the MYH7 protein (p.Ser241Pro). The serine residue is highly conserved and there is a moderate physicochemical difference between serine and proline. This variant is not present in population databases (ExAC no frequency). This variant has not been reported in the literature in individuals with MYH7-related conditions. Algorithms developed to predict the effect of missense changes on protein structure and function are either unavailable or do not agree on the potential impact of this missense change (SIFT: "Deleterious"; PolyPhen-2: "Probably Damaging"; Align-GVGD: "Class C0"). This variant is found within a region of MYH7 between codons 181 and 937 that contains the majority of the myosin head domain. Missense variants in this region have been shown to be significantly overrepresented in individuals with hypertrophic cardiomyopathy (PMID: 27532257). In summary, the available evidence is currently insufficient to determine the role of this variant in disease. Therefore, it has been classified as a Variant of Uncertain Significance.

Blueprint Genetics
Classification: Likely pathogenic for MYH7-related disorders. Last evaluated: 2018-08-29. Review status: criteria provided, single submitter. Criteria: ACMG Guidelines, 2015. Collection method: clinical testing. Allele origin: germline. Affected: yes. Observed: 2 variant alleles.

Literature cited by the submitters: PubMed 27532257 (cited by Labcorp Genetics (formerly Invitae), Labcorp).

NM_000257.4(MYH7):c.721T>C (p.Ser241Pro)

Gene: MYH7 (myosin heavy chain 7; minus strand). Cytogenetic location: 14q11.2.
Variant type: single nucleotide variant.
Coding change: c.721T>C on transcript NM_000257.4 (MANE Select); coding-DNA position 721, T replaced by C.
Protein change: p.Ser241Pro; replaces serine 241 with proline.
Molecular consequence: missense variant.
Genome position (GRCh38, 1-based): chr14:23,431,596, A>G on the plus strand (T>C on the coding strand, the complement: MYH7 is on the minus strand). VCF-style: chr14-23431596-A-G. GRCh37 (hg19) VCF-style: chr14-23900805-A-G.
Other names: short protein forms S241P.
Identifiers: ClinVar variation 942795 (VCV000942795.2), dbSNP rs1892942972, ClinGen allele CA389052188.